The following is an entry in ClinVar:

ClinVar aggregate classification (germline): Uncertain significance (1 of 4 stars; one submission).

Conditions:
Spastic paraplegia. Identifiers: MedGen C0037772, HP:0001258.

gnomAD v4.1: 1 of 1,211,482 alleles (0.000083%); highest among the groups gnomAD compares: Admixed American, 0.0022%; no homozygotes.

Submission:

Labcorp Genetics (formerly Invitae), Labcorp
Classification: Uncertain significance for Spastic paraplegia. Last evaluated: 2024-07-03. Review status: criteria provided, single submitter. Criteria: Invitae Variant Classification Sherloc (09022015). Collection method: clinical testing. Allele origin: germline.
Comment: This sequence change replaces glutamic acid, which is acidic and polar, with valine, which is neutral and non-polar, at codon 691 of the KDM5C protein (p.Glu691Val). This variant is not present in population databases (gnomAD no frequency). This variant has not been reported in the literature in individuals affected with KDM5C-related conditions. Advanced modeling of protein sequence and biophysical properties (such as structural, functional, and spatial information, amino acid conservation, physicochemical variation, residue mobility, and thermodynamic stability) has been performed at Invitae for this missense variant, however the output from this modeling did not meet the statistical confidence thresholds required to predict the impact of this variant on KDM5C protein function. In summary, the available evidence is currently insufficient to determine the role of this variant in disease. Therefore, it has been classified as a Variant of Uncertain Significance.

NM_004187.5(KDM5C):c.2072A>T (p.Glu691Val)

Gene: KDM5C (lysine demethylase 5C; minus strand). Cytogenetic location: Xp11.22.
Variant type: single nucleotide variant.
Coding change: c.2072A>T on transcript NM_004187.5 (MANE Select); coding-DNA position 2072, A replaced by T.
Protein change: p.Glu691Val; replaces glutamic acid 691 with valine.
Molecular consequence: missense variant. On other transcripts: non-coding transcript variant (3).
Genome position (GRCh38, 1-based): chrX:53,199,148, T>A on the plus strand (A>T on the coding strand, the complement: KDM5C is on the minus strand). VCF-style: chrX-53199148-T-A. GRCh37 (hg19) VCF-style: chrX-53228330-T-A.
Other names: c.1871A>T, p.Glu624Val (NM_001146702.2); c.2069A>T, p.Glu690Val (NM_001282622.3, NM_001353979.2, NM_001353982.2); c.2072A>T, p.Glu691Val (NM_001353978.3, NM_001353981.2, NM_001353984.2); short protein forms E624V, E691V, E690V.
Identifiers: ClinVar variation 3720445 (VCV003720445.2).
Genomic context (GRCh38, chrX:53,199,148, plus strand): 5'-TTGCACTTGATACACTGGCGCTCATCATCTGGGAGCAGCTCGAAAGCCTCTCGCTCAGCC[T>A]CTGTGATACCCTAAGGGCATTTAACCTATGCGTTATATATAACCAGAACCAGGTAGCAAA-3'
Protein context (NP_004178.2, residues 681-701): RKALLEKGIT[Glu691Val]AEREAFELLP